The following is an entry in ClinVar:

NM_001365480.1(CCDC88A):c.2776G>A (p.Glu926Lys)

Gene: CCDC88A (coiled-coil domain containing 88A; minus strand). Cytogenetic location: 2p16.1.
Variant type: single nucleotide variant.
Coding change: c.2776G>A on transcript NM_001365480.1 (MANE Select); coding-DNA position 2776, G replaced by A.
Protein change: p.Glu926Lys; replaces glutamic acid 926 with lysine.
Molecular consequence: missense variant.
Genome position (GRCh38, 1-based): chr2:55,332,645, C>T on the plus strand (G>A on the coding strand, the complement: CCDC88A is on the minus strand). VCF-style: chr2-55332645-C-T. GRCh37 (hg19) VCF-style: chr2-55559781-C-T.
Other names: c.2776G>A, p.Glu926Lys (NM_001135597.2, NM_001254943.2, NM_018084.5); short protein forms E926K.
Identifiers: ClinVar variation 1499144 (VCV001499144.3), dbSNP rs771833685, ClinGen allele CA1665921.

ClinVar aggregate classification (germline): Uncertain significance (1 of 4 stars; one submission).

Allele frequency attached by ClinVar (database versions not stated): gnomAD 0.00001; ExAC 0.00002; gnomAD exomes 0.00002 and 0.00005; TOPMed 0.00002.
gnomAD v4.1: 27 of 1,600,714 alleles (0.0017%); highest among the groups gnomAD compares: Admixed American, 0.017%; no homozygotes.

Submission:

Labcorp Genetics (formerly Invitae), Labcorp
Classification: Uncertain significance. Last evaluated: 2022-02-02. Review status: criteria provided, single submitter. Criteria: Invitae Variant Classification Sherloc (09022015). Collection method: clinical testing. Allele origin: germline.
Comment: This sequence change replaces glutamic acid, which is acidic and polar, with lysine, which is basic and polar, at codon 926 of the CCDC88A protein (p.Glu926Lys). This variant is present in population databases (rs771833685, gnomAD 0.01%). This variant has not been reported in the literature in individuals affected with CCDC88A-related conditions. Algorithms developed to predict the effect of missense changes on protein structure and function are either unavailable or do not agree on the potential impact of this missense change (SIFT: "Tolerated"; PolyPhen-2: "Probably Damaging"; Align-GVGD: "Class C0"). In summary, the available evidence is currently insufficient to determine the role of this variant in disease. Therefore, it has been classified as a Variant of Uncertain Significance.